The following is an entry in ClinVar:

NM_000455.5(STK11):c.1217C>T (p.Ala406Val)

Gene: STK11 (serine/threonine kinase 11; plus strand). Cytogenetic location: 19p13.3.
Variant type: single nucleotide variant.
Coding change: c.1217C>T on transcript NM_000455.5 (MANE Select); coding-DNA position 1217, C replaced by T.
Protein change: p.Ala406Val; replaces alanine 406 with valine.
Molecular consequence: missense variant.
Genome position (GRCh38, 1-based): chr19:1,226,562, C>T. VCF-style: chr19-1226562-C-T. GRCh37 (hg19) VCF-style: chr19-1226561-C-T.
Other names: short protein forms A406V.
Identifiers: ClinVar variation 220585 (VCV000220585.40), dbSNP rs748202003, ClinGen allele CA046002.
Genomic context (GRCh38, chr19:1,226,562, plus strand): 5'-TCCCCAAGGCCGTGTGTATGAACGGCACAGAGGCGGCGCAGCTGAGCACCAAATCCAGGG[C>T]GGAGGGCCGGGCCCCCAACCCTGCCCGCAAGGCCTGCTCCGCCAGCAGCAAGATCCGCCG-3'
Protein context (NP_000446.1, residues 396-416): EAAQLSTKSR[Ala406Val]EGRAPNPARK

ClinVar aggregate classification (germline): Conflicting classifications of pathogenicity. Review status: criteria provided, conflicting classifications (1 of 4 stars). 13 submissions from 13 submitters: Uncertain significance (6); Benign (1); Likely benign (5). 1 of the submissions does not count toward it. Last evaluated 2025-12-23.

Conditions:
Hereditary cancer-predisposing syndrome. Also called: Tumor predisposition; Hereditary neoplastic syndrome; Neoplastic Syndromes, Hereditary; Hereditary Cancer Syndrome. Identifiers: Orphanet 140162, MedGen C0027672, MeSH D009386, MONDO:0015356.
Ovarian cancer. Also called: OVARIAN CANCER, SOMATIC. Identifiers: Orphanet 213500, MedGen C1140680, MONDO:0008170, OMIM 167000.
Peutz-Jeghers syndrome (PJS). Also called: POLYPOSIS, HAMARTOMATOUS INTESTINAL; POLYPS-AND-SPOTS SYNDROME; Peutz-Jeghers polyposis; Periorificial lentiginosis syndrome. Identifiers: Orphanet 2869, MedGen C0031269, MeSH D010580, MONDO:0008280, OMIM 175200.

Allele frequency attached by ClinVar (database versions not stated): gnomAD 0.00001; TOPMed 0.00002; gnomAD exomes 0.00003; ExAC 0.00006.
gnomAD v4.1: 28 of 1,592,834 alleles (0.0018%); highest among the groups gnomAD compares: South Asian, 0.01%; no homozygotes.

Submissions (13):

Labcorp Genetics (formerly Invitae), Labcorp
Classification: Likely benign for Peutz-Jeghers syndrome. Last evaluated: 2025-12-23. Review status: criteria provided, single submitter. Criteria: Invitae Variant Classification Sherloc (09022015). Collection method: clinical testing. Allele origin: germline.

Color Diagnostics, LLC DBA Color Health
Classification: Likely benign for Hereditary cancer-predisposing syndrome. Last evaluated: 2025-09-17. Review status: criteria provided, single submitter. Criteria: ACMG Guidelines, 2015. Collection method: clinical testing. Allele origin: germline.

Women's Health and Genetics/Laboratory Corporation of America, LabCorp
Classification: Likely benign. Last evaluated: 2025-06-10. Review status: criteria provided, single submitter. Criteria: LabCorp Variant Classification Summary - May 2015. Collection method: clinical testing. Allele origin: germline.
Comment: Variant summary: STK11 c.1217C>T (p.Ala406Val) results in a non-conservative amino acid change in the encoded protein sequence. Algorithms developed to predict the effect of missense changes on protein structure and function are either unavailable or do not agree on the potential impact of this missense change. The variant allele was found at a frequency of 1.8e-05 in 1592834 control chromosomes (gnomAD database v4). The observed variant frequency is approximately 3 fold of the estimated maximal expected allele frequency for a pathogenic variant in STK11 causing Peutz-Jeghers Syndrome phenotype (6.3e-06). c.1217C>T has been reported in the literature in individuals affected with HBOC, without strong evidence for causality (Chan_2018, Schubert_2019). These report(s) do not provide unequivocal conclusions about association of the variant with Peutz-Jeghers Syndrome. To our knowledge, no experimental evidence demonstrating an impact on protein function has been reported. The following publications have been ascertained in the context of this evaluation (PMID: 30093976, 30426508). ClinVar contains an entry for this variant (Variation ID: 220585). Based on the evidence outlined above, the variant was classified as likely benign.

Myriad Genetics, Inc.
Classification: Likely benign for Peutz-Jeghers syndrome. Last evaluated: 2025-05-12. Review status: criteria provided, single submitter. Criteria: Myriad Autosomal Dominant, Autosomal Recessive and X-Linked Classification Criteria (2023). Collection method: clinical testing. Allele origin: unknown.
Comment: This variant is considered likely benign. Homozygosity has been confirmed in one or more individuals. As homozygosity for pathogenic variants in this gene is generally assumed to result in embryonic lethality, this variant is unlikely to be pathogenic.

Center for Genomic Medicine, Rigshospitalet, Copenhagen University Hospital
Classification: Uncertain significance. Last evaluated: 2025-03-04. Review status: criteria provided, single submitter. Criteria: ACMG Guidelines, 2015. Collection method: clinical testing. Allele origin: germline.

All of Us Research Program, National Institutes of Health
Classification: Uncertain significance for Peutz-Jeghers syndrome. Last evaluated: 2024-02-05. Review status: criteria provided, single submitter. Criteria: ACMG Guidelines, 2015. Collection method: clinical testing. Allele origin: germline. Inheritance: Autosomal dominant inheritance. Observed: 4 variant alleles, 4 heterozygotes.
Comment: This missense variant replaces alanine with valine at codon 406 of the STK11 protein. Computational prediction suggests that this variant may not impact protein structure and function (internally defined REVEL score threshold <= 0.5, PMID: 27666373). To our knowledge, functional studies have not been reported for this variant. This variant has been reported in individuals affected with breast and or ovarian cancer in the literature (PMID: 27153395, 30093976). This variant has been identified in 7/236552 chromosomes in the general population by the Genome Aggregation Database (gnomAD). The available evidence is insufficient to determine the role of this variant in disease conclusively. Therefore, this variant is classified as a Variant of Uncertain Significance.

This study involves interpretation of variants in research participants for the purpose of population health screening. Participant phenotype was not available at the time of variant classification. Additional details can be found in publication PMID: 35346344, PMCID: PMC8962531

GeneDx
Classification: Uncertain significance. Last evaluated: 2023-11-13. Review status: criteria provided, single submitter. Criteria: GeneDx Variant Classification Process June 2021. Collection method: clinical testing. Allele origin: germline. Affected: yes.
Comment: In silico analysis supports that this missense variant does not alter protein structure/function; This variant is associated with the following publications: (PMID: 28900777, 27153395, 30093976, 32720237)

Quest Diagnostics Nichols Institute San Juan Capistrano
Classification: Uncertain significance. Last evaluated: 2023-07-18. Review status: criteria provided, single submitter. Criteria: Quest Diagnostics criteria. Collection method: clinical testing. Allele origin: unknown.
Comment: In the published literature, this variant has been reported in an individual with breast cancer (PMID: 30093976 (2018)). The frequency of this variant in the general population, 0.00018 (3/16680 chromosomes in East Asian subpopulation (Genome Aggregation Database)), is higher than would generally be expected for pathogenic variants in this gene. Analysis of this variant using bioinformatics tools for the prediction of the effect of amino acid changes on protein structure and function yielded predictions that this variant is benign. Based on the available information, we are unable to determine the clinical significance of this variant.

Ambry Genetics
Classification: Likely benign for Hereditary cancer-predisposing syndrome. Last evaluated: 2023-01-11. Review status: criteria provided, single submitter. Criteria: Ambry Variant Classification Scheme 2023. Collection method: clinical testing. Allele origin: germline.

Laboratory of Molecular Epidemiology of Birth Defects, West China Second University Hospital, Sichuan University
Classification: Benign for Ovarian cancer. Last evaluated: 2022-01-01. Review status: criteria provided, single submitter. Criteria: ACMG Guidelines, 2015. Collection method: clinical testing. Allele origin: germline. Affected: yes.

Sema4
Classification: Uncertain significance for Hereditary cancer-predisposing syndrome. Last evaluated: 2021-12-22. Review status: criteria provided, single submitter. Criteria: Sema4 Curation Guidelines. Collection method: curation. Allele origin: germline.
Comment: The STK11 c.1217C>T (p.A406V) variant has been reported in heterozygosity in 1 individual with breast cancer (PMID: 30093976). This variant was observed in 3/16680 chromosomes in the East Asian population, according to the Genome Aggregation Database (PMID: 32461654). This variant has been reported in ClinVar (Variation ID: 220585). In silico tools suggest the impact of the variant on protein function is benign, though these predictions have not been confirmed by functional studies. There is no indication that this variant causes disease, but the evidence is insufficient currently to prove that conclusively. Thus, this variant is interpreted as a variant of uncertain significance.

Genome-Nilou Lab
Classification: Uncertain significance for Peutz-Jeghers syndrome. Last evaluated: 2021-07-15. Review status: criteria provided, single submitter. Criteria: ACMG Guidelines, 2015. Collection method: clinical testing. Allele origin: germline. Affected: no.

Counsyl
Classification: Uncertain significance for Peutz-Jeghers syndrome. Last evaluated: 2016-09-06. Review status: no assertion criteria provided. Collection method: clinical testing. Allele origin: unknown. Not counted in ClinVar's aggregate classification.

Literature cited by the submitters: PubMed 30093976 (cited by 4 submitters); PubMed 30426508 (cited by Women's Health and Genetics/Laboratory Corporation of America, LabCorp); PubMed 27153395 (cited by 4 submitters); PubMed 32720237 (cited by Quest Diagnostics Nichols Institute San Juan Capistrano and Ambry Genetics).